The following is an entry in ClinVar:

NM_015271.5(TRIM2):c.959C>T (p.Pro320Leu)

Gene: TRIM2 (tripartite motif containing 2; plus strand). Cytogenetic location: 4q31.3.
Variant type: single nucleotide variant.
Coding change: c.959C>T on transcript NM_015271.5 (MANE Select); coding-DNA position 959, C replaced by T.
Protein change: p.Pro320Leu; replaces proline 320 with leucine.
Molecular consequence: missense variant.
Genome position (GRCh38, 1-based): chr4:153,295,485, C>T. VCF-style: chr4-153295485-C-T. GRCh37 (hg19) VCF-style: chr4-154216637-C-T.
Other names: c.878C>T, p.Pro293Leu (NM_001130067.2, NM_001351056.2); c.932C>T, p.Pro311Leu (NM_001351054.2); c.929C>T, p.Pro310Leu (NM_001351055.2); c.503C>T, p.Pro168Leu (NM_001351057.2); short protein forms P293L, P311L, P320L, P310L, P168L.
Identifiers: ClinVar variation 648706 (VCV000648706.8), dbSNP rs1279083060, ClinGen allele CA358472659.

ClinVar aggregate classification (germline): Uncertain significance (1 of 4 stars; one submission).

Conditions:
Charcot-Marie-Tooth disease type 2R. Also called: Charcot-Marie-Tooth disease, axonal, type 2R; CHARCOT-MARIE-TOOTH DISEASE, AXONAL, AUTOSOMAL RECESSIVE, TYPE 2R; CHARCOT-MARIE-TOOTH NEUROPATHY, TYPE 2R. Identifiers: Orphanet 397968, MedGen C3809655, MONDO:0014208, OMIM 615490.

Allele frequency attached by ClinVar (database versions not stated): gnomAD exomes below 0.00001; TOPMed below 0.00001; gnomAD 0.00001.
gnomAD v4.1: 2 of 1,614,056 alleles (0.00012%); highest among the groups gnomAD compares: Non-Finnish European, 0.00017%; no homozygotes.

Submission:

Labcorp Genetics (formerly Invitae), Labcorp
Classification: Uncertain significance for Charcot-Marie-Tooth disease type 2R. Last evaluated: 2022-05-12. Review status: criteria provided, single submitter. Criteria: Invitae Variant Classification Sherloc (09022015). Collection method: clinical testing. Allele origin: germline.
Comment: This sequence change replaces proline, which is neutral and non-polar, with leucine, which is neutral and non-polar, at codon 293 of the TRIM2 protein (p.Pro293Leu). In summary, the available evidence is currently insufficient to determine the role of this variant in disease. Therefore, it has been classified as a Variant of Uncertain Significance. Algorithms developed to predict the effect of missense changes on protein structure and function are either unavailable or do not agree on the potential impact of this missense change (SIFT: "Deleterious"; PolyPhen-2: "Probably Damaging"; Align-GVGD: "Class C0"). ClinVar contains an entry for this variant (Variation ID: 648706). This variant has not been reported in the literature in individuals affected with TRIM2-related conditions. This variant is not present in population databases (gnomAD no frequency).